The following is an entry in ClinVar:

NM_001377.3(DYNC2H1):c.7598G>A (p.Arg2533His)

Gene: DYNC2H1 (dynein cytoplasmic 2 heavy chain 1; plus strand). Cytogenetic location: 11q22.3.
Variant type: single nucleotide variant.
Coding change: c.7598G>A on transcript NM_001377.3 (MANE Select); coding-DNA position 7598, G replaced by A.
Protein change: p.Arg2533His; replaces arginine 2533 with histidine.
Molecular consequence: missense variant.
Genome position (GRCh38, 1-based): chr11:103,192,154, G>A. VCF-style: chr11-103192154-G-A. GRCh37 (hg19) VCF-style: chr11-103062883-G-A.
Other names: c.7598G>A, p.Arg2533His (NM_001080463.2); short protein forms R2533H.
Identifiers: ClinVar variation 5019923 (VCV005019923.3).

ClinVar aggregate classification (germline): Uncertain significance (1 of 4 stars; one submission).

Conditions:
Asphyxiating thoracic dystrophy 3. Also called: POLYDACTYLY WITH NEONATAL CHONDRODYSTROPHY, TYPE I; SHORT-RIB THORACIC DYSPLASIA 3/6 WITH POLYDACTYLY, DIGENIC; SHORT-RIB THORACIC DYSPLASIA 3 WITH OR WITHOUT POLYDACTYLY; Saldino-Noonan Syndrome; Short rib polydactyly syndrome 2B. Identifiers: Orphanet 474, Orphanet 93269, Orphanet 93270, Orphanet 93271, MedGen C0036069, MONDO:0013127, OMIM 613091.

gnomAD v4.1: 6 of 1,568,184 alleles (0.00038%); highest among the groups gnomAD compares: African/African-American, 0.0013%; no homozygotes.

Submission:

Juno Genomics, Hangzhou Juno Genomics, Inc
Classification: Uncertain significance for Asphyxiating thoracic dystrophy 3. Review status: criteria provided, single submitter. Criteria: ACMG Guidelines, 2015. Collection method: clinical testing. Allele origin: germline.
Comment: Absent from controls (or at extremely low frequency if recessive) in Genome Aggregation Database.